The following is an entry in ClinVar:

NM_000321.3(RB1):c.485T>C (p.Phe162Ser)

Gene: RB1 (RB transcriptional corepressor 1; plus strand). Cytogenetic location: 13q14.2.
Variant type: single nucleotide variant.
Coding change: c.485T>C on transcript NM_000321.3 (MANE Select); coding-DNA position 485, T replaced by C.
Protein change: p.Phe162Ser; replaces phenylalanine 162 with serine.
Molecular consequence: missense variant.
Genome position (GRCh38, 1-based): chr13:48,345,184, T>C. VCF-style: chr13-48345184-T-C. GRCh37 (hg19) VCF-style: chr13-48919320-T-C.
Other names: c.485T>C, p.Phe162Ser (NM_001407165.1, NM_001407166.1); short protein forms F162S.
Identifiers: ClinVar variation 3231239 (VCV003231239.1), dbSNP rs764881599, ClinGen allele CA388252827.
Genomic context (GRCh38, chr13:48,345,184, plus strand): 5'-CCAAAGTTGATAATGCTATGTCAAGACTGTTGAAGAAGTATGATGTATTGTTTGCACTCT[T>C]CAGCAAATTGGAAAGGTAAAGTAAACATTTTATTAGGTTTACACTCTGATTTTTTATGTC-3'
Protein context (NP_000312.2, residues 152-172): LKKYDVLFAL[Phe162Ser]SKLERTCELI

ClinVar aggregate classification (germline): Uncertain significance (1 of 4 stars; one submission).

Conditions:
Hereditary cancer-predisposing syndrome. Also called: Neoplastic Syndromes, Hereditary; Tumor predisposition; Hereditary neoplastic syndrome; Hereditary Cancer Syndrome. Identifiers: Orphanet 140162, MedGen C0027672, MeSH D009386, MONDO:0015356.

Submission:

Ambry Genetics
Classification: Uncertain significance for Hereditary cancer-predisposing syndrome. Last evaluated: 2023-12-15. Review status: criteria provided, single submitter. Criteria: Ambry Variant Classification Scheme 2023. Collection method: clinical testing. Allele origin: germline.
Comment: The p.F162S variant (also known as c.485T>C), located in coding exon 4 of the RB1 gene, results from a T to C substitution at nucleotide position 485. The phenylalanine at codon 162 is replaced by serine, an amino acid with highly dissimilar properties. This amino acid position is conserved. In addition, the in silico prediction for this alteration is inconclusive. Since supporting evidence is limited at this time, the clinical significance of this alteration remains unclear.